The following is an entry in ClinVar:

ClinVar aggregate classification (germline): Likely benign (1 of 4 stars; one submission).

Submission:

CeGaT Center for Human Genetics Tuebingen
Classification: Likely benign. Last evaluated: 2023-10-01. Review status: criteria provided, single submitter. Criteria: CeGaT Center For Human Genetics Tuebingen Variant Classification Criteria Version 2. Collection method: clinical testing. Allele origin: germline. Affected: yes. Observed: 2 variant alleles.
Comment: TCP10L3: BP4, BP7, BS2

NR_163197.1(TCP10):n.668A>G

Variant type: single nucleotide variant.
Molecular consequence: non-coding transcript variant (on NR_163193.1).
Genome position: GRCh38 VCF-style: chr6-167376666-T-C. GRCh37 (hg19) VCF-style: chr6-167790154-T-C.
Identifiers: ClinVar variation 2657131 (VCV002657131.23), dbSNP rs769668829, ClinGen allele CA4097921.